The following is an entry in ClinVar:

ClinVar aggregate classification (germline): Uncertain significance (1 of 4 stars; one submission).

Conditions:
Primary familial hypertrophic cardiomyopathy (HCM). Identifiers: Orphanet 99739, MedGen C0949658, MeSH D024741, MONDO:0024573. Inheritance: Various modes of inheritance.
Dilated cardiomyopathy 1AA (CMD1AA). Also called: CARDIOMYOPATHY, DILATED, 1AA, WITH OR WITHOUT LEFT VENTRICULAR NONCOMPACTION; CARDIOMYOPATHY, FAMILIAL HYPERTROPHIC, 23, WITH OR WITHOUT LEFT VENTRICULAR NONCOMPACTION; Cardiomyopathy, dilated, 1AA, with or without LVNC. Identifiers: Orphanet 154, MedGen C2677338, MONDO:0012808, OMIM 612158.

Submission:

Labcorp Genetics (formerly Invitae), Labcorp
Classification: Uncertain significance for Primary familial hypertrophic cardiomyopathy; Dilated cardiomyopathy 1AA. Last evaluated: 2022-09-23. Review status: criteria provided, single submitter. Criteria: Invitae Variant Classification Sherloc (09022015). Collection method: clinical testing. Allele origin: germline.
Comment: In summary, the available evidence is currently insufficient to determine the role of this variant in disease. Therefore, it has been classified as a Variant of Uncertain Significance. Experimental studies and prediction algorithms are not available or were not evaluated, and the functional significance of this variant is currently unknown. This variant has not been reported in the literature in individuals affected with ACTN2-related conditions. This variant results in a copy number gain of the genomic region encompassing exon(s) 1 of the ACTN2 gene. This region includes the initiator codon of the gene. This copy number gain extends beyond the assayed region for this gene and therefore may encompass additional genes. As the precise location of this event is unknown, it may be in tandem or it may be located elsewhere in the genome.

NC_000001.10:g.(?_236849974)_(236850119_?)dup

Gene: ACTN2 (actinin alpha 2; plus strand). Cytogenetic location: 1q43.
Variant type: Duplication.
Identifiers: ClinVar variation 2423718 (VCV002423718.5).